The following is an entry in ClinVar:

ClinVar aggregate classification (germline): Uncertain significance (1 of 4 stars; one submission).

Conditions:
Mowat-Wilson syndrome (MOWS). Also called: Classic Mowat-Wilson Syndrome. Identifiers: Orphanet 2152, MedGen C1856113, MONDO:0009341, OMIM 235730.

Submission:

Labcorp Genetics (formerly Invitae), Labcorp
Classification: Uncertain significance for Mowat-Wilson syndrome. Last evaluated: 2024-07-30. Review status: criteria provided, single submitter. Criteria: Invitae Variant Classification Sherloc (09022015). Collection method: clinical testing. Allele origin: germline.
Comment: This sequence change replaces lysine, which is basic and polar, with glutamine, which is neutral and polar, at codon 570 of the ZEB2 protein (p.Lys570Gln). This variant is not present in population databases (gnomAD no frequency). This variant has not been reported in the literature in individuals affected with ZEB2-related conditions. Advanced modeling of protein sequence and biophysical properties (such as structural, functional, and spatial information, amino acid conservation, physicochemical variation, residue mobility, and thermodynamic stability) performed at Invitae indicates that this missense variant is not expected to disrupt ZEB2 protein function with a negative predictive value of 80%. In summary, the available evidence is currently insufficient to determine the role of this variant in disease. Therefore, it has been classified as a Variant of Uncertain Significance.

NM_014795.4(ZEB2):c.1708A>C (p.Lys570Gln)

Gene: ZEB2 (zinc finger E-box binding homeobox 2; minus strand). Cytogenetic location: 2q22.3.
Variant type: single nucleotide variant.
Coding change: c.1708A>C on transcript NM_014795.4 (MANE Select); coding-DNA position 1708, A replaced by C.
Protein change: p.Lys570Gln; replaces lysine 570 with glutamine.
Molecular consequence: missense variant.
Genome position (GRCh38, 1-based): chr2:144,399,479, T>G on the plus strand (A>C on the coding strand, the complement: ZEB2 is on the minus strand). VCF-style: chr2-144399479-T-G. GRCh37 (hg19) VCF-style: chr2-145157046-T-G.
Other names: c.1636A>C, p.Lys546Gln (NM_001171653.2); short protein forms K570Q, K546Q.
Identifiers: ClinVar variation 3660937 (VCV003660937.2).